The following is an entry in ClinVar:

ClinVar aggregate classification (germline): Uncertain significance (1 of 4 stars; one submission).

Submission:

Women's Health and Genetics/Laboratory Corporation of America, LabCorp
Classification: Uncertain significance. Last evaluated: 2024-02-07. Review status: criteria provided, single submitter. Criteria: LabCorp Variant Classification Summary - May 2015. Collection method: clinical testing. Allele origin: germline.
Comment: Variant summary: CDON c.993delT (p.Phe331LeufsX29) results in a premature termination codon, predicted to cause absence of the protein due to nonsense mediated decay, however the molecular mechanism of disease attributed to CDON is currently unknown. The variant allele was found at a frequency of 8e-06 in 251260 control chromosomes (gnomAD). The available data on variant occurrences in the general population are insufficient to allow any conclusion about variant significance. To our knowledge, no occurrence of c.993delT in individuals affected with Holoprosencephaly 11 and no experimental evidence demonstrating its impact on protein function have been reported. No submitters have cited clinical-significance assessments for this variant to ClinVar. Based on the evidence outlined above, the variant was classified as uncertain significance.

NM_001378964.1(CDON):c.993del (p.Phe331fs)

Gene: CDON (cell adhesion associated, oncogene regulated; minus strand). Cytogenetic location: 11q24.2.
Variant type: Deletion.
Coding change: c.993del on transcript NM_001378964.1 (MANE Select); coding-DNA position 993, one base deleted (T; older notation c.993delT).
Protein change: p.Phe331fs; shifts the reading frame from phenylalanine 331.
Molecular consequence: frameshift variant.
Genome position (GRCh38, 1-based): chr11:126,015,446, A deleted on the plus strand (T on the coding strand, the reverse complement: CDON is on the minus strand); the first of 3 consecutive A bases (chr11:126,015,446-126,015,448); deleting any one gives the same sequence. VCF-style (leftmost placement, unchanged base first): chr11-126015445-TA-T. GRCh37 (hg19) VCF-style: chr11-125885340-TA-T.
Other names: c.993delT (NM_016952.5); c.991delT, p.Phe331Leufs (NM_001243597.3, NM_016952.6); short protein forms F331fs.
Identifiers: ClinVar variation 3069117 (VCV003069117.2), dbSNP rs1187117235, ClinGen allele CA602584731.